The following is an entry in ClinVar:

NM_022455.5(NSD1):c.6151+1G>T

Gene: NSD1 (nuclear receptor binding SET domain protein 1; plus strand). Cytogenetic location: 5q35.3.
Variant type: single nucleotide variant.
Coding change: c.6151+1G>T on transcript NM_022455.5 (MANE Select); the canonical splice donor site of the intron after coding-DNA position 6151, G replaced by T.
Molecular consequence: splice donor variant. On other transcripts: intron variant (1).
Genome position (GRCh38, 1-based): chr5:177,283,929, G>T. VCF-style: chr5-177283929-G-T. GRCh37 (hg19) VCF-style: chr5-176710930-G-T.
Other names: c.6151+1G>T (NM_001409301.1, NM_001409302.1, NM_001409303.1); c.5731+1G>T (NM_001409304.1); c.5398+1G>T (NM_001409305.1); c.5389+1G>T (NM_001409306.1, NM_001409307.1); c.5278+1G>T (NM_001409308.1, NM_172349.5, NM_001365684.2); c.5136+1348G>T (NM_001409309.1).
Identifiers: ClinVar variation 2629706 (VCV002629706.1), dbSNP rs1562296511, ClinGen allele CA362316807.

ClinVar aggregate classification (germline): Likely pathogenic (1 of 4 stars; one submission).

Conditions:
NSD1-related disorder. Also called: NSD1-related condition.

Submission:

PreventionGenetics, part of Exact Sciences
Classification: Likely pathogenic for NSD1-related condition. Last evaluated: 2022-12-22. Review status: criteria provided, single submitter. Criteria: ACMG Guidelines, 2015. Collection method: clinical testing. Allele origin: germline.
Comment: The NSD1 c.6151+1G>T variant is predicted to disrupt the GT donor site and interfere with normal splicing. To our knowledge, this variant has not been reported in the literature or in a large population database, indicating this variant is rare. A different nucleotide at the same position (c.6151+1G>A) was detected in an individual with Sotos syndrome and found to cause skipping of exon 20 (Kurotaki et al. 2002. PubMed ID: 11896389). Variants that disrupt the consensus splice donor site in NSD1 are expected to be pathogenic. This variant is interpreted as likely pathogenic.